The following is an entry in ClinVar:

NM_201525.4(ADGRG1):c.1249del (p.Ala417fs)

Gene: ADGRG1 (adhesion G protein-coupled receptor G1; plus strand). Cytogenetic location: 16q21.
Variant type: Deletion.
Coding change: c.1249del on transcript NM_201525.4 (MANE Select); coding-DNA position 1249, one base deleted (G; older notation c.1249delG).
Protein change: p.Ala417fs; shifts the reading frame from alanine 417.
Molecular consequence: frameshift variant.
Genome position (GRCh38, 1-based): chr16:57,657,454, G deleted; the last of 2 consecutive G bases (chr16:57,657,453-57,657,454); deleting either gives the same sequence. VCF-style (leftmost placement, unchanged base first): chr16-57657452-TG-T. GRCh37 (hg19) VCF-style: chr16-57691364-TG-T.
Other names: c.1249del, p.Ala417fs (NM_001145770.3, NM_001145771.3, NM_001145772.3 and 14 more transcripts); c.1264del, p.Ala422fs (NM_001145773.3, NM_001370433.1); c.739del, p.Ala247fs (NM_001290142.2); c.724del, p.Ala242fs (NM_001290143.2, NM_001290144.2, NM_001370451.1 and 2 more transcripts); c.1246del, p.Ala416fs (NM_001370434.1, NM_001370441.1); c.1093del, p.Ala365fs (NM_001370442.1); short protein forms A242fs, A247fs, A365fs, A416fs, A417fs, A422fs.
Identifiers: ClinVar variation 4815445 (VCV004815445.1).
Genomic context (GRCh38, chr16:57,657,452, plus strand): 5'-ACGCCGTGCACAAGCACTACCTGAGCCTCCTCTCCTACGTGGGCTGTGTCGTCTCTGCCC[TG>T]GCCTGCCTTGTCACCATTGCCGCCTACCTCTGCTCCAGGTGAGGCCTGAAAGGGGTGGGA-3'

ClinVar aggregate classification (germline): Likely pathogenic (1 of 4 stars; one submission).

Conditions:
Bilateral frontoparietal polymicrogyria. Also called: CEREBELLAR ATAXIA WITH NEURONAL MIGRATION DEFECT; CORTICAL DYSPLASIA, COMPLEX, WITH OTHER BRAIN MALFORMATIONS 14A (BILATERAL FRONTOPARIETAL). Identifiers: Orphanet 101070, MedGen C1847352, MONDO:0011738, OMIM 606854.

Submission:

Natera, Inc.
Classification: Likely pathogenic for Bilateral frontoparietal polymicrogyria. Last evaluated: 2025-04-11. Review status: criteria provided, single submitter. Criteria: Natera Variant Classification Schema (03/2026). Collection method: clinical testing. Allele origin: germline.
Comment: The c.1249delG variant in ADGRG1 is a frameshift variant predicted to shift the reading frame beginning at codon 417 and leads to a stop codon 31 codons downstream. This variant is expected to result in nonsense mediated decay, truncation, or a dysfunctional protein product. This variant is rare in the general population with a frequency below the threshold expected for the associated phenotype(s). Given the available evidence, this variant is classified as Likely Pathogenic.